The following is an entry in ClinVar:

ClinVar aggregate classification (germline): Uncertain significance. Review status: criteria provided, multiple submitters, no conflicts (2 of 4 stars). 3 submissions from 3 submitters: Uncertain significance (3). Last evaluated 2025-07-29.

Conditions:
TTN-related disorder. Also called: TTN-related condition; TTN-related disease; TTN-related disorders.
Autosomal recessive limb-girdle muscular dystrophy type 2J (LGMDR10). Also called: MUSCULAR DYSTROPHY, LIMB-GIRDLE, AUTOSOMAL RECESSIVE 10; Limb-girdle muscular dystrophy, type 2J. Identifiers: Orphanet 140922, MedGen C1837342, MONDO:0012127, OMIM 608807.
Dilated cardiomyopathy 1G (CMD1G). Identifiers: Orphanet 154, MedGen C1858763, MONDO:0011400, OMIM 604145.
Hypertrophic cardiomyopathy 9. Also called: Familial hypertrophic cardiomyopathy 9. Identifiers: MedGen C1861065, MONDO:0013412, OMIM 613765.
Early-onset myopathy with fatal cardiomyopathy (CMYO5). Also called: CONGENITAL MYOPATHY 5 WITH CARDIOMYOPATHY; Salih Myopathy. Identifiers: Orphanet 289377, MedGen C2673677, MONDO:0012714, OMIM 611705. Disease mechanism: loss of function.
Myopathy, myofibrillar, 9, with early respiratory failure (MFM9). Also called: Myopathy, distal, with early respiratory failure, autosomal dominant; EDSTROM MYOPATHY; MYOPATHY, PROXIMAL, WITH EARLY RESPIRATORY MUSCLE INVOLVEMENT; Hereditary myopathy with early respiratory failure. Identifiers: Orphanet 178464, Orphanet 34521, MedGen C1863599, MONDO:0011362, OMIM 603689.
Tibial muscular dystrophy (TMD). Also called: Tibial muscular dystrophy, tardive; UDD MYOPATHY; Udd Distal Myopathy – Tibial Muscular Dystrophy. Identifiers: Orphanet 609, MedGen C1838244, MONDO:0010870, OMIM 600334.

Allele frequency attached by ClinVar (database versions not stated): gnomAD 0.00001; gnomAD exomes 0.00001; TOPMed 0.00002.
gnomAD v4.1: 7 of 1,613,508 alleles (0.00043%); highest among the groups gnomAD compares: Non-Finnish European, 0.00051%; no homozygotes.

Submissions (3):

PreventionGenetics, part of Exact Sciences
Classification: Uncertain significance for TTN-related condition. Last evaluated: 2025-07-29. Review status: criteria provided, single submitter. Criteria: ACMG Guidelines, 2015. Collection method: clinical testing. Allele origin: germline.
Comment: The TTN c.21892G>A variant is predicted to result in the amino acid substitution p.Gly7298Arg. To our knowledge, this variant has not been reported in the literature. This variant is reported in 0.0018% of alleles in individuals of European (Non-Finnish) descent in gnomAD. At this time, the clinical significance of this variant is uncertain due to the absence of conclusive functional and genetic evidence.

Fulgent Genetics
Classification: Uncertain significance for Tibial muscular dystrophy; Myopathy, myofibrillar, 9, with early respiratory failure; Dilated cardiomyopathy 1G; Autosomal recessive limb-girdle muscular dystrophy type 2J; Early-onset myopathy with fatal cardiomyopathy; Hypertrophic cardiomyopathy 9. Last evaluated: 2021-08-09. Review status: criteria provided, single submitter. Criteria: ACMG Guidelines, 2015. Collection method: clinical testing. Allele origin: unknown.

Labcorp Genetics (formerly Invitae), Labcorp
Classification: Uncertain significance for Dilated cardiomyopathy 1G; Autosomal recessive limb-girdle muscular dystrophy type 2J. Last evaluated: 2016-01-01. Review status: criteria provided, single submitter. Criteria: Invitae Variant Classification Sherloc (09022015). Collection method: clinical testing. Allele origin: germline.

NM_001267550.2(TTN):c.21892G>A (p.Gly7298Arg)

Gene: TTN (titin; minus strand). Cytogenetic location: 2q31.2.
Variant type: single nucleotide variant.
Coding change: c.21892G>A on transcript NM_001267550.2 (MANE Select); coding-DNA position 21892, G replaced by A.
Protein change: p.Gly7298Arg; replaces glycine 7298 with arginine.
Molecular consequence: missense variant. On other transcripts: intron variant (3).
Genome position (GRCh38, 1-based): chr2:178,723,115, C>T on the plus strand (G>A on the coding strand, the complement: TTN is on the minus strand). VCF-style: chr2-178723115-C-T. GRCh37 (hg19) VCF-style: chr2-179587842-C-T.
Other names: c.20941G>A, p.Gly6981Arg (NM_001256850.1); c.18160G>A, p.Gly6054Arg (NM_133378.4); c.13282+14967G>A (NM_003319.4); c.13858+14967G>A (NM_133437.4); c.13657+14967G>A (NM_133432.3); short protein forms G7298R, G6054R, G6981R.
Identifiers: ClinVar variation 238719 (VCV000238719.5), dbSNP rs878854292, ClinGen allele CA10581891.